The following is an entry in ClinVar:

ClinVar aggregate classification (germline): Uncertain significance. Review status: criteria provided, multiple submitters, no conflicts (2 of 4 stars). 3 submissions from 3 submitters: Uncertain significance (3). Last evaluated 2022-01-26.

Conditions:
Hereditary intrinsic factor deficiency (IFD). Also called: PERNICIOUS ANEMIA, CONGENITAL, DUE TO DEFECT OF INTRINSIC FACTOR; Congenital intrinsic factor deficiency. Identifiers: Orphanet 332, MedGen C2062370, MONDO:0009852, OMIM 261000.

Allele frequency attached by ClinVar (database versions not stated): ExAC 0.00009; gnomAD exomes 0.00009; gnomAD 0.00011 and 0.00020; ESP Exome Variant Server 0.00023; TOPMed 0.00031.
gnomAD v4.1: 202 of 1,609,064 alleles (0.013%); highest among the groups gnomAD compares: Middle Eastern, 0.099%; 1 homozygote.

Submissions (3):

Ambry Genetics
Classification: Uncertain significance. Last evaluated: 2022-01-26. Review status: criteria provided, single submitter. Criteria: Ambry Variant Classification Scheme 2023. Collection method: clinical testing. Allele origin: germline.

Labcorp Genetics (formerly Invitae), Labcorp
Classification: Uncertain significance for Hereditary intrinsic factor deficiency. Last evaluated: 2021-10-20. Review status: criteria provided, single submitter. Criteria: Invitae Variant Classification Sherloc (09022015). Collection method: clinical testing. Allele origin: germline.
Comment: This sequence change replaces alanine with valine at codon 377 of the GIF protein (p.Ala377Val). The alanine residue is highly conserved and there is a small physicochemical difference between alanine and valine. This variant is present in population databases (rs370902375, ExAC 0.02%). This variant has not been reported in the literature in individuals affected with GIF-related conditions. Algorithms developed to predict the effect of missense changes on protein structure and function (SIFT, PolyPhen-2, Align-GVGD) all suggest that this variant is likely to be tolerated. In summary, the available evidence is currently insufficient to determine the role of this variant in disease. Therefore, it has been classified as a Variant of Uncertain Significance.

Baylor Genetics
Classification: Uncertain significance for Hereditary intrinsic factor deficiency. Last evaluated: 2018-05-03. Review status: criteria provided, single submitter. Criteria: ACMG Guidelines, 2015. Collection method: clinical testing. Allele origin: paternal. Affected: yes.
Comment: This variant was determined to be of uncertain significance according to ACMG Guidelines, 2015 [PMID:25741868].

NM_005142.3(CBLIF):c.1130C>T (p.Ala377Val)

Gene: CBLIF (cobalamin binding intrinsic factor; minus strand). Cytogenetic location: 11q12.1.
Variant type: single nucleotide variant.
Coding change: c.1130C>T on transcript NM_005142.3 (MANE Select); coding-DNA position 1130, C replaced by T.
Protein change: p.Ala377Val; replaces alanine 377 with valine.
Molecular consequence: missense variant.
Genome position (GRCh38, 1-based): chr11:59,831,740, G>A on the plus strand (C>T on the coding strand, the complement: CBLIF is on the minus strand). VCF-style: chr11-59831740-G-A. GRCh37 (hg19) VCF-style: chr11-59599213-G-A.
Other names: short protein forms A377V.
Identifiers: ClinVar variation 971205 (VCV000971205.5), dbSNP rs370902375, ClinGen allele CA6021376.